The following is an entry in ClinVar:

ClinVar aggregate classification (germline): Uncertain significance (1 of 4 stars; one submission).

Conditions:
Hereditary breast ovarian cancer syndrome. Also called: Hereditary breast and ovarian cancer; Hereditary breast and/or ovarian cancer syndrome; Hereditary breast and ovarian cancer syndrome (HBOC); Breast and ovarian cancer; Hereditary breast and ovarian cancer syndrome; BRCA1- and BRCA2-Associated Hereditary Breast and Ovarian Cancer. Identifiers: Orphanet 145, MedGen C0677776, MeSH D061325, MONDO:0003582. Disease mechanism: loss of function.

Submission:

Labcorp Genetics (formerly Invitae), Labcorp
Classification: Uncertain significance for Hereditary breast ovarian cancer syndrome. Last evaluated: 2024-02-26. Review status: criteria provided, single submitter. Criteria: Invitae Variant Classification Sherloc (09022015). Collection method: clinical testing. Allele origin: germline.
Comment: This sequence change replaces aspartic acid, which is acidic and polar, with valine, which is neutral and non-polar, at codon 1621 of the BRCA1 protein (p.Asp1621Val). This variant is not present in population databases (gnomAD no frequency). This variant has not been reported in the literature in individuals affected with BRCA1-related conditions. ClinVar contains an entry for this variant (Variation ID: 2131913). Advanced modeling of protein sequence and biophysical properties (such as structural, functional, and spatial information, amino acid conservation, physicochemical variation, residue mobility, and thermodynamic stability) performed at Invitae indicates that this missense variant is not expected to disrupt BRCA1 protein function with a negative predictive value of 95%. In summary, the available evidence is currently insufficient to determine the role of this variant in disease. Therefore, it has been classified as a Variant of Uncertain Significance.

NM_007294.4(BRCA1):c.4862A>T (p.Asp1621Val)

Gene: BRCA1 (BRCA1 DNA repair associated; minus strand). Cytogenetic location: 17q21.31.
Variant type: single nucleotide variant.
Coding change: c.4862A>T on transcript NM_007294.4 (MANE Select); coding-DNA position 4862, A replaced by T.
Protein change: p.Asp1621Val; replaces aspartic acid 1621 with valine.
Molecular consequence: missense variant. On other transcripts: non-coding transcript variant (1).
Genome position (GRCh38, 1-based): chr17:43,071,052, T>A on the plus strand (A>T on the coding strand, the complement: BRCA1 is on the minus strand). VCF-style: chr17-43071052-T-A. GRCh37 (hg19) VCF-style: chr17-41223069-T-A.
Other names: c.4646A>T, p.Asp1549Val (NM_001407915.1, NM_001407916.1, NM_001407917.1 and 1 more transcripts); c.4739A>T, p.Asp1580Val (NM_001407919.1, NM_001407937.1, NM_001407938.1 and 6 more transcripts); c.4598A>T, p.Asp1533Val (NM_001407920.1, NM_001407921.1, NM_001407922.1 and 4 more transcripts); c.4595A>T, p.Asp1532Val (NM_001407927.1, NM_001407928.1, NM_001407929.1 and 4 more transcripts); c.4721A>T, p.Asp1574Val (NM_001407942.1, NM_001407692.1, NM_001407694.1 and 13 more transcripts); c.4718A>T, p.Asp1573Val (NM_001407943.1, NM_001407944.1, NM_001407945.1 and 21 more transcripts); c.4529A>T, p.Asp1510Val (NM_001407947.1, NM_001407948.1, NM_001407949.1 and 1 more transcripts); c.4526A>T, p.Asp1509Val (NM_001407950.1, NM_001407951.1, NM_001407952.1 and 3 more transcripts); and 70 more; short protein forms D1452V, D1492V, D1508V, D1509V, D1550V, D1552V, D1572V, D1574V.
Identifiers: ClinVar variation 2131913 (VCV002131913.4), dbSNP rs1555580777, ClinGen allele CA10591801.